The following is an entry in ClinVar:

ClinVar aggregate classification (germline): Likely pathogenic (1 of 4 stars; one submission).

Conditions:
Familial dysautonomia. Also called: HSAN III; FD. Identifiers: Orphanet 1764, MedGen C0013364, MONDO:0009131, OMIM 223900. Disease mechanism: loss of function.

Submission:

Myriad Genetics, Inc.
Classification: Likely pathogenic for Familial dysautonomia. Last evaluated: 2022-01-28. Review status: criteria provided, single submitter. Criteria: Myriad Women's Health Autosomal Recessive and X-Linked Classification Criteria (2021). Collection method: clinical testing. Allele origin: unknown.
Comment: NM_003640.3(ELP1):c.2867_2868delAG(E956Vfs*12) is expected to be pathogenic in the context of familial dysautonomia. This variant is predicted to lead to an abnormal or absent protein product due to the creation of a premature termination codon in ELP1, a gene where loss-of-function variants are known to be pathogenic. Please note: this variant was assessed in the context of healthy population screening.

NM_003640.5(ELP1):c.2867_2868del (p.Glu956fs)

Gene: ELP1 (elongator acetyltransferase complex subunit 1; minus strand). Cytogenetic location: 9q31.3.
Variant type: Deletion.
Coding change: c.2867_2868del on transcript NM_003640.5 (MANE Select); coding-DNA positions 2867 to 2868, 2 bases deleted (AG; older notation c.2867_2868delAG).
Protein change: p.Glu956fs; shifts the reading frame from glutamic acid 956.
Molecular consequence: frameshift variant.
Genome position (GRCh38, 1-based): chr9:108,893,076-108,893,077, CT deleted on the plus strand (AG on the coding strand, the reverse complement: ELP1 is on the minus strand); deleting any 2 consecutive bases within chr9:108,893,076-108,893,078 gives the same sequence; the c. name uses the placement nearest the transcript's 3' end. VCF-style (leftmost placement, unchanged base first): chr9-108893075-ACT-A. GRCh37 (hg19) VCF-style: chr9-111655355-ACT-A.
Other names: c.2525_2526del, p.Glu842fs (NM_001318360.2); c.1820_1821del, p.Glu607fs (NM_001330749.2); short protein forms E607fs, E842fs, E956fs.
Identifiers: ClinVar variation 1724163 (VCV001724163.2), dbSNP rs2537882528, ClinGen allele CA2580079368.
Genomic context (GRCh38, chr9:108,893,075, plus strand): 5'-ACTTCAGAGCTTCGTTATACAAGTTTTTATCTTTTATCAAGTTTAAGCATTCTGGGAAGT[ACT>A]CAGGTCCTGCAGGAAAAAGATTCACACAAAGACAGGCTTAAGACATGGGAAGCATAATGG-3'